The following is an entry in ClinVar:

NM_033305.3(VPS13A):c.5072del (p.Asp1691fs)

Gene: VPS13A (vacuolar protein sorting 13 homolog A; plus strand). Cytogenetic location: 9q21.2.
Variant type: Deletion.
Coding change: c.5072del on transcript NM_033305.3 (MANE Select); coding-DNA position 5072, one base deleted (A; older notation c.5072delA).
Protein change: p.Asp1691fs; shifts the reading frame from aspartic acid 1691.
Molecular consequence: frameshift variant.
Genome position (GRCh38, 1-based): chr9:77,318,350, A deleted. VCF-style (leftmost placement, unchanged base first): chr9-77318349-GA-G. GRCh37 (hg19) VCF-style: chr9-79933265-GA-G.
Other names: c.4955del, p.Asp1652fs (NM_001018037.2); c.5072del, p.Asp1691fs (NM_001018038.3, NM_015186.4); short protein forms D1652fs, D1691fs.
Identifiers: ClinVar variation 5013824 (VCV005013824.1).
Genomic context (GRCh38, chr9:77,318,349, plus strand): 5'-ACTAAGGAAACCATCCCAGAAGAAACGGCTTCTTCTACTGCACATTTATGGGAAAAGAAG[GA>G]TACAAAGACTTTAAAAATGTGGTTTCTTGAAGAATCAAATGAAACTGAAAAAATAGCTCC-3'

ClinVar aggregate classification (germline): Pathogenic (1 of 4 stars; one submission).

Conditions:
VPS13A-related neurodegenerative disease. Also called: ACANTHOCYTOSIS WITH NEUROLOGIC DISORDER; LEVINE-CRITCHLEY SYNDROME; Choreoacanthocytosis; Chorea-acanthocytosis; Choreaacanthocytosis; VPS13A Disease. Identifiers: Orphanet 2388, MedGen C0393576, MONDO:0008695, OMIM 200150.

Submission:

Myriad Genetics, Inc.
Classification: Pathogenic for VPS13A-related neurodegenerative disease. Last evaluated: 2024-11-30. Review status: criteria provided, single submitter. Criteria: Myriad Autosomal Dominant, Autosomal Recessive and X-Linked Classification Criteria (2023). Collection method: clinical testing. Allele origin: unknown.
Comment: NM_033305.2(VPS13A):c.5072delA(D1691Vfs*5) is expected to be pathogenic in the context of VPS13A disease. This variant is predicted to lead to an abnormal or absent protein product due to the creation of a premature termination codon in VPS13A, a gene where loss-of-function variants are known to be pathogenic. Please note: this variant was assessed in the context of healthy population screening.